The following is an entry in ClinVar:

NC_000023.10:g.(?_32292664)_(32305685_?)del

Gene: DMD (dystrophin; minus strand). Cytogenetic location: Xp21.1.
Variant type: Deletion.
Identifiers: ClinVar variation 1511626 (VCV001511626.5).

ClinVar aggregate classification (germline): Likely pathogenic (1 of 4 stars; one submission).

Conditions:
Duchenne muscular dystrophy (DMD). Also called: Duchenne Muscular Dystrophy (DMD); MUSCULAR DYSTROPHY, PSEUDOHYPERTROPHIC PROGRESSIVE, DUCHENNE TYPE. Identifiers: Orphanet 98896, MedGen C0013264, MONDO:0010679, OMIM 310200.

Submission:

Labcorp Genetics (formerly Invitae), Labcorp
Classification: Likely pathogenic for Duchenne muscular dystrophy. Last evaluated: 2021-11-26. Review status: criteria provided, single submitter. Criteria: Invitae Variant Classification Sherloc (09022015). Collection method: clinical testing. Allele origin: germline.
Comment: In summary, the currently available evidence indicates that the variant is pathogenic, but additional data are needed to prove that conclusively. Therefore, this variant has been classified as Likely Pathogenic. This variant has not been reported in the literature in individuals affected with DMD-related conditions. This variant results in the deletion of part of exon 43 (c.6251_6290+12982delins116) of the DMD gene. It is expected to disrupt RNA splicing. Variants that disrupt the donor or acceptor splice site typically lead to a loss of protein function (PMID: 16199547), and loss-of-function variants in DMD are known to be pathogenic (PMID: 16770791, 25007885).

Literature cited by the submitters: PubMed 16199547; PubMed 16770791; PubMed 25007885.